The following is an entry in ClinVar:

NM_004055.5(CAPN5):c.1617T>A (p.Tyr539Ter)

Gene: CAPN5 (calpain 5; plus strand). Cytogenetic location: 11q13.5.
Variant type: single nucleotide variant.
Coding change: c.1617T>A on transcript NM_004055.5 (MANE Select); coding-DNA position 1617, T replaced by A.
Protein change: p.Tyr539Ter; replaces tyrosine 539 with a stop codon.
Molecular consequence: nonsense.
Genome position (GRCh38, 1-based): chr11:77,122,589, T>A. VCF-style: chr11-77122589-T-A. GRCh37 (hg19) VCF-style: chr11-76833635-T-A.
Other names: short protein forms Y539*.
Identifiers: ClinVar variation 1393208 (VCV001393208.7), dbSNP rs782337445, ClinGen allele CA6196859.

ClinVar aggregate classification (germline): Uncertain significance. Review status: criteria provided, multiple submitters, no conflicts (2 of 4 stars). 2 submissions from 2 submitters: Uncertain significance (2). Last evaluated 2021-11-23.

Allele frequency attached by ClinVar (database versions not stated): ExAC 0.00006.

Submissions (2):

Labcorp Genetics (formerly Invitae), Labcorp
Classification: Uncertain significance. Last evaluated: 2021-11-23. Review status: criteria provided, single submitter. Criteria: Invitae Variant Classification Sherloc (09022015). Collection method: clinical testing. Allele origin: germline.
Comment: This sequence change creates a premature translational stop signal (p.Tyr539*) in the CAPN5 gene. It is expected to result in an absent or disrupted protein product. However, the current clinical and genetic evidence is not sufficient to establish whether loss-of-function variants in CAPN5 cause disease. This variant is present in population databases (rs782337445, gnomAD 0.006%). This variant has not been reported in the literature in individuals affected with CAPN5-related conditions. In summary, the available evidence is currently insufficient to determine the role of this variant in disease. Therefore, it has been classified as a Variant of Uncertain Significance.

Blueprint Genetics
Classification: Uncertain significance. Last evaluated: 2020-08-11. Review status: criteria provided, single submitter. Criteria: ACMG Guidelines, 2015. Collection method: clinical testing. Allele origin: germline.